The following is an entry in ClinVar:

ClinVar aggregate classification (germline): Conflicting classifications of pathogenicity. Review status: criteria provided, conflicting classifications (1 of 4 stars). 12 submissions from 12 submitters: Uncertain significance (7); Likely benign (5). Last evaluated 2026-09-04.

Conditions:
APC-related disorder. Also called: APC-related condition.
Hereditary cancer-predisposing syndrome. Also called: Neoplastic Syndromes, Hereditary; Tumor predisposition; Hereditary neoplastic syndrome; Hereditary Cancer Syndrome. Identifiers: Orphanet 140162, MedGen C0027672, MeSH D009386, MONDO:0015356.
Familial adenomatous polyposis 1 (FAP1). Also called: FAMILIAL ADENOMATOUS POLYPOSIS 1, ATTENUATED; POLYPOSIS, ADENOMATOUS INTESTINAL. Identifiers: MedGen C2713442, MONDO:0021056, OMIM 175100. Disease mechanism: loss of function.
Colorectal cancer, susceptibility to. Identifiers: MedGen C1858438.

Allele frequency attached by ClinVar (database versions not stated): gnomAD 0.00003 and 0.00004; TOPMed 0.00004; gnomAD exomes 0.00005; ExAC 0.00008.
gnomAD v4.1: 106 of 1,613,966 alleles (0.0066%); highest among the groups gnomAD compares: Non-Finnish European, 0.0081%; no homozygotes.

Submissions (12):

PreventionGenetics, part of Exact Sciences
Classification: Likely benign for APC-related condition. Last evaluated: 2026-09-04. Review status: criteria provided, single submitter. Criteria: ACMG Guidelines, 2015. Collection method: clinical testing. Allele origin: germline.
Comment: This variant is classified as likely benign based on ACMG/AMP sequence variant interpretation guidelines (Richards et al. 2015 PMID: 25741868, with internal and published modifications).

Labcorp Genetics (formerly Invitae), Labcorp
Classification: Likely benign for Familial adenomatous polyposis 1. Last evaluated: 2026-01-21. Review status: criteria provided, single submitter. Criteria: Invitae Variant Classification Sherloc (09022015). Collection method: clinical testing. Allele origin: germline.

Center for Genomic Medicine, Rigshospitalet, Copenhagen University Hospital
Classification: Likely benign. Last evaluated: 2025-12-29. Review status: criteria provided, single submitter. Criteria: ACMG Guidelines, 2015. Collection method: clinical testing. Allele origin: germline.
Comment: Classification criteria: BS1, BP1

Quest Diagnostics Nichols Institute San Juan Capistrano
Classification: Uncertain significance. Last evaluated: 2025-05-21. Review status: criteria provided, single submitter. Criteria: Quest Diagnostics criteria. Collection method: clinical testing. Allele origin: unknown.
Comment: The APC c.4073C>T (p.Ala1358Val) variant has been reported in individuals with colorectal cancer or polyps (PMID: 31942411 (2019), 26845104 (2016)), pancreatic cancer (PMID: 29684080 (2018)), and also observed in reportedly unaffected individuals (PMID: 36243179 (2022), 32980694 (2020)). The frequency of this variant in the general population (Genome Aggregation Database) is higher than would generally be expected for pathogenic variants in this gene. Analysis of this variant using bioinformatics tools for the prediction of the effect of amino acid changes on protein structure and function yielded predictions that this variant is damaging. Based on the available information, we are unable to determine the clinical significance of this variant.

Blueprint Genetics
Classification: Uncertain significance. Last evaluated: 2024-11-14. Review status: criteria provided, single submitter. Criteria: ACMG Guidelines, 2015. Collection method: clinical testing. Allele origin: germline.

Color Diagnostics, LLC DBA Color Health
Classification: Uncertain significance for Hereditary cancer-predisposing syndrome. Last evaluated: 2024-06-05. Review status: criteria provided, single submitter. Criteria: ACMG Guidelines, 2015. Collection method: clinical testing. Allele origin: germline.
Comment: This missense variant replaces alanine with valine at codon 1358 of the APC protein. Computational prediction suggests that this variant may not impact protein structure and function (internally defined REVEL score threshold <= 0.5, PMID: 27666373). To our knowledge, functional studies have not been reported for this variant. This variant has been reported in individuals affected with less than 5 colon polyps and a family history of colorectal cancer (PMID: 26845104). The variant has also been reported in an individual affected with colorectal cancer who also carried a different pathogenic variant in the APC gene (PMID: 28196074). This variant has also been identified in 13/282114 chromosomes in the general population by the Genome Aggregation Database (gnomAD) and in a healthy control individual (PMID: 32980694). The available evidence is insufficient to determine the role of this variant in disease conclusively. Therefore, this variant is classified as a Variant of Uncertain Significance.

Institute for Biomarker Research, Medical Diagnostic Laboratories, L.L.C.
Classification: Uncertain significance for Hereditary cancer-predisposing syndrome. Last evaluated: 2023-05-16. Review status: criteria provided, single submitter. Criteria: ACMG Guidelines, 2015. Collection method: clinical testing. Allele origin: germline.

Women's Health and Genetics/Laboratory Corporation of America, LabCorp
Classification: Uncertain significance. Last evaluated: 2022-11-14. Review status: criteria provided, single submitter. Criteria: LabCorp Variant Classification Summary - May 2015. Collection method: clinical testing. Allele origin: germline.
Comment: Variant summary: APC c.4073C>T (p.Ala1358Val) results in a non-conservative amino acid change in the encoded protein sequence. Four of five in-silico tools predict a damaging effect of the variant on protein function. The variant allele was found at a frequency of 4.8e-05 in 250728 control chromosomes (gnomAD). This frequency is not higher than the estimated maximum expected for a pathogenic variant in APC causing Familial Adenomatous Polyposis (7.1e-05), allowing no conclusion about variant significance. The variant, c.4073C>T, has been reported in the literature in individuals affected with colon polyps (Shirts_2015) and colorectal cancer (Staninova-Stojovska_2019), however without strong evidence for causality. These reports do not provide unequivocal conclusions about association of the variant with Familial Adenomatous Polyposis. To our knowledge, no experimental evidence demonstrating an impact on protein function has been reported. Eight other clinical diagnostic laboratories have submitted clinical-significance assessments for this variant to ClinVar after 2014 without evidence for independent evaluation. Multiple laboratories reported the variant with conflicting assessments (i.e. VUS (n=6) or likely benign (n=2)). Based on the evidence outlined above, the variant was classified as uncertain significance.

Sema4
Classification: Uncertain significance for Hereditary cancer-predisposing syndrome. Last evaluated: 2021-05-13. Review status: criteria provided, single submitter. Criteria: Sema4 Curation Guidelines. Collection method: curation. Allele origin: germline.
Comment: The APC c.4073C>T ( p.A1358V) variant has been reported in heterozygosity in at least three individuals with colorectal cancer (PMID: 26845104, 28196074, 31942411). It was observed in 2/30612 chromosomes in the South Asian subpopulation in the large and broad cohorts of the Genome Aggregation Database (PMID: 32461654), and has been reported in ClinVar (Variation ID: 181805). In silico tools suggest the impact of the variant on protein function is inconclusive, though these predictions have not been confirmed by functional studies. The overall evidence is insufficient to meet ACMG/AMP criteria for classifying it as benign or pathogenic. In summary, the clinical significance of this variant is currently uncertain.

Ambry Genetics
Classification: Likely benign for Hereditary cancer-predisposing syndrome. Last evaluated: 2021-04-30. Review status: criteria provided, single submitter. Criteria: Ambry Variant Classification Scheme 2023. Collection method: clinical testing. Allele origin: germline.

GeneDx
Classification: Likely benign. Last evaluated: 2020-09-16. Review status: criteria provided, single submitter. Criteria: GeneDx Variant Classification Process June 2021. Collection method: clinical testing. Allele origin: germline. Affected: yes.
Comment: This variant is associated with the following publications: (PMID: 26845104, 28196074, 28595259)

University of Washington Department of Laboratory Medicine, University of Washington
Classification: Uncertain significance for Colorectal cancer, susceptibility to. Last evaluated: 2015-11-20. Review status: criteria provided, single submitter. Criteria: Shirts et al. (Genet Med 2016). Collection method: clinical testing. Allele origin: germline. Affected: no. Observed: 1 variant allele.

Literature cited by the submitters: PubMed 26845104 (cited by 6 submitters); PubMed 28595259 (cited by Quest Diagnostics Nichols Institute San Juan Capistrano); PubMed 31942411 (cited by 4 submitters); PubMed 29684080 (cited by Quest Diagnostics Nichols Institute San Juan Capistrano and Ambry Genetics); PubMed 32980694 (cited by Quest Diagnostics Nichols Institute San Juan Capistrano and Color Diagnostics, LLC DBA Color Health); PubMed 28196074 (cited by 3 submitters); PubMed 26933808 (cited by Quest Diagnostics Nichols Institute San Juan Capistrano); PubMed 26862949 (cited by Quest Diagnostics Nichols Institute San Juan Capistrano); PubMed 36243179 (cited by Quest Diagnostics Nichols Institute San Juan Capistrano).

NM_000038.6(APC):c.4073C>T (p.Ala1358Val)

Gene: APC (APC regulator of Wnt signaling pathway; plus strand). Cytogenetic location: 5q22.2.
Variant type: single nucleotide variant.
Coding change: c.4073C>T on transcript NM_000038.6 (MANE Select); coding-DNA position 4073, C replaced by T.
Protein change: p.Ala1358Val; replaces alanine 1358 with valine.
Molecular consequence: missense variant.
Genome position (GRCh38, 1-based): chr5:112,839,667, C>T. VCF-style: chr5-112839667-C-T. GRCh37 (hg19) VCF-style: chr5-112175364-C-T.
Other names: p.A1358V:GCG>GTG; c.4073C>T, p.Ala1358Val (NM_001127510.3, NM_001354895.2); c.4019C>T, p.Ala1340Val (NM_001127511.3); c.4127C>T, p.Ala1376Val (NM_001354896.2); c.4103C>T, p.Ala1368Val (NM_001354897.2); c.3998C>T, p.Ala1333Val (NM_001354898.2); c.3989C>T, p.Ala1330Val (NM_001354899.2); c.3950C>T, p.Ala1317Val (NM_001354900.2); and 6 more; short protein forms A1340V, A1358V, A1198V, A1232V, A1267V, A1299V, A1330V, A1376V.
Identifiers: ClinVar variation 181805 (VCV000181805.53), dbSNP rs730881249, ClinGen allele CA008903.